The following is an entry in ClinVar:

NM_000350.3(ABCA4):c.2654-1G>A

Gene: ABCA4 (ATP binding cassette subfamily A member 4; minus strand). Cytogenetic location: 1p22.1.
Variant type: single nucleotide variant.
Coding change: c.2654-1G>A on transcript NM_000350.3 (MANE Select); the canonical splice acceptor site of the intron before coding-DNA position 2654, G replaced by A.
Molecular consequence: splice acceptor variant.
Genome position (GRCh38, 1-based): chr1:94,048,958, C>T on the plus strand (G>A on the coding strand, the complement: ABCA4 is on the minus strand). VCF-style: chr1-94048958-C-T. GRCh37 (hg19) VCF-style: chr1-94514514-C-T.
Identifiers: ClinVar variation 2698695 (VCV002698695.3), dbSNP rs2523797746, ClinGen allele CA341276057.

ClinVar aggregate classification (germline): Likely pathogenic (1 of 4 stars; one submission).

Allele frequency attached by ClinVar (database versions not stated): gnomAD exomes below 0.00001.
gnomAD v4.1: 2 of 1,613,972 alleles (0.00012%); highest among the groups gnomAD compares: Non-Finnish European, 0.00017%; no homozygotes.

Submission:

Labcorp Genetics (formerly Invitae), Labcorp
Classification: Likely pathogenic. Last evaluated: 2023-11-24. Review status: criteria provided, single submitter. Criteria: Invitae Variant Classification Sherloc (09022015). Collection method: clinical testing. Allele origin: germline.
Comment: This sequence change affects an acceptor splice site in intron 17 of the ABCA4 gene. It is expected to disrupt RNA splicing. Variants that disrupt the donor or acceptor splice site typically lead to a loss of protein function (PMID: 16199547), and loss-of-function variants in ABCA4 are known to be pathogenic (PMID: 10958761, 24938718, 25312043, 26780318). This variant is not present in population databases (gnomAD no frequency). This variant has not been reported in the literature in individuals affected with ABCA4-related conditions. Algorithms developed to predict the effect of sequence changes on RNA splicing suggest that this variant may disrupt the consensus splice site. In summary, the currently available evidence indicates that the variant is pathogenic, but additional data are needed to prove that conclusively. Therefore, this variant has been classified as Likely Pathogenic.

Literature cited by the submitters: PubMed 16199547; PubMed 10958761; PubMed 24938718; PubMed 25312043; PubMed 26780318.